The following is an entry in ClinVar:

NM_001367624.2(ZNF469):c.8477A>G (p.Asp2826Gly)

Gene: ZNF469 (zinc finger protein 469; plus strand). Cytogenetic location: 16q24.2.
Variant type: single nucleotide variant.
Coding change: c.8477A>G on transcript NM_001367624.2 (MANE Select); coding-DNA position 8477, A replaced by G.
Protein change: p.Asp2826Gly; replaces aspartic acid 2826 with glycine.
Molecular consequence: missense variant.
Genome position (GRCh38, 1-based): chr16:88,435,947, A>G. VCF-style: chr16-88435947-A-G. GRCh37 (hg19) VCF-style: chr16-88502355-A-G.
Other names: NM_001127464.1:c.8393A>G; short protein forms D2826G.
Identifiers: ClinVar variation 286774 (VCV000286774.6), dbSNP rs886043475, ClinGen allele CA10605563.

ClinVar aggregate classification (germline): Uncertain significance. Review status: criteria provided, multiple submitters, no conflicts (2 of 4 stars). 2 submissions from 2 submitters: Uncertain significance (2). Last evaluated 2024-02-09.

Conditions:
Cardiovascular phenotype. Identifiers: MedGen CN230736.

Allele frequency attached by ClinVar (database versions not stated): gnomAD exomes below 0.00001 and 0.00001; gnomAD 0.00001; TOPMed 0.00001.
gnomAD v4.1: 6 of 1,550,004 alleles (0.00039%); highest among the groups gnomAD compares: Non-Finnish European, 0.00052%; no homozygotes.

Submissions (2):

Ambry Genetics
Classification: Uncertain significance for Cardiovascular phenotype. Last evaluated: 2024-02-09. Review status: criteria provided, single submitter. Criteria: Ambry Variant Classification Scheme 2023. Collection method: clinical testing. Allele origin: germline.
Comment: The p.D2798G variant (also known as c.8393A>G), located in coding exon 2 of the ZNF469 gene, results from an A to G substitution at nucleotide position 8393. The aspartic acid at codon 2798 is replaced by glycine, an amino acid with similar properties. This amino acid position is conserved. In addition, this alteration is predicted to be tolerated by in silico analysis. Based on the available evidence, the clinical significance of this alteration remains unclear.

Eurofins Ntd Llc (ga)
Classification: Uncertain significance. Last evaluated: 2016-04-04. Review status: criteria provided, single submitter. Criteria: EGL Classification Definitions 2015. Collection method: clinical testing. Allele origin: germline. Observed: 1 variant allele, 1 heterozygote.